The following is an entry in ClinVar:

NM_032119.4(ADGRV1):c.4432G>A (p.Gly1478Ser)

Gene: ADGRV1 (adhesion G protein-coupled receptor V1; plus strand). Cytogenetic location: 5q14.3.
Variant type: single nucleotide variant.
Coding change: c.4432G>A on transcript NM_032119.4 (MANE Select); coding-DNA position 4432, G replaced by A.
Protein change: p.Gly1478Ser; replaces glycine 1478 with serine.
Molecular consequence: missense variant. On other transcripts: non-coding transcript variant (1).
Genome position (GRCh38, 1-based): chr5:90,657,958, G>A. VCF-style: chr5-90657958-G-A. GRCh37 (hg19) VCF-style: chr5-89953775-G-A.
Other names: short protein forms G1478S.
Identifiers: ClinVar variation 4072754 (VCV004072754.1).
Genomic context (GRCh38, chr5:90,657,958, plus strand): 5'-ATTTCAGGTCCTGGGATACTGAGAATTGGAGCAGGGATAAATGGCAATGACAGATTTACA[G>A]GTCTGATGCAGGATGTGAGGTCCTATGAGCGGAAACTGACGCTTGAAGAAATTTATGAAC-3'
Protein context (NP_115495.3, residues 1468-1488): AGINGNDRFT[Gly1478Ser]LMQDVRSYER

ClinVar aggregate classification (germline): Uncertain significance (1 of 4 stars; one submission).

Submission:

GeneDx
Classification: Uncertain significance. Last evaluated: 2025-01-30. Review status: criteria provided, single submitter. Criteria: GeneDx Variant Classification Process June 2021. Collection method: clinical testing. Allele origin: germline. Affected: yes.
Comment: Not observed at significant frequency in large population cohorts (gnomAD); In silico analysis supports that this missense variant has a deleterious effect on protein structure/function; Has not been previously published as pathogenic or benign to our knowledge